The following is an entry in ClinVar:

ClinVar aggregate classification (germline): Pathogenic/Likely pathogenic. Review status: criteria provided, multiple submitters, no conflicts (2 of 4 stars). 3 submissions from 3 submitters: Pathogenic (2); Likely pathogenic (1). Last evaluated 2026-03-26.

Conditions:
Epilepsy, familial adult myoclonic, 5 (EPEO5). Also called: CORTICAL MYOCLONIC TREMOR WITH EPILEPSY, FAMILIAL, 5. Identifiers: Orphanet 86814, MedGen C3809374, MONDO:0014167, OMIM 615400.

Allele frequency attached by ClinVar (database versions not stated): TOPMed below 0.00001.

Submissions (3):

Ambry Genetics
Classification: Pathogenic. Last evaluated: 2026-03-26. Review status: criteria provided, single submitter. Criteria: Ambry Variant Classification Scheme 2023. Collection method: clinical testing. Allele origin: germline.
Comment: The c.2193G>A (p.W731*) alteration, located in exon 17 (coding exon 16) of the CNTN2 gene, consists of a G to A substitution at nucleotide position 2193. This changes the amino acid from a tryptophan (W) to a stop codon at amino acid position 731. This variant is expected to result in loss of function by premature protein truncation or nonsense-mediated mRNA decay. This variant was not reported in population-based cohorts in the Genome Aggregation Database (gnomAD). Based on the available evidence, this alteration is classified as pathogenic.

Variantyx, Inc.
Classification: Likely pathogenic for Epilepsy, familial adult myoclonic, 5. Last evaluated: 2025-06-30. Review status: criteria provided, single submitter. Criteria: Variantyx Assertion Criteria 2022. Collection method: clinical testing. Allele origin: germline. Inheritance: Autosomal recessive inheritance. Affected: no.
Comment: This is a nonsense variant in the CNTN2 gene (OMIM: 190197). Pathogenic variants in this gene have been associated with autosomal recessive early-onset epilepsy-5 with or without developmental delay. This variant introduces a premature termination codon in exon 17 out of 23 and is expected to result in loss of function, which is a known disease mechanism for CNTN2 in this disorder (PMID: 23518707) (PVS1). This variant is absent from control populations (PM2). Based on the current evidence, this variant is classified as likely pathogenic for autosomal recessive early-onset epilepsy-5 with or without developmental delay.

Labcorp Genetics (formerly Invitae), Labcorp
Classification: Pathogenic for Epilepsy, familial adult myoclonic, 5. Last evaluated: 2024-04-05. Review status: criteria provided, single submitter. Criteria: Invitae Variant Classification Sherloc (09022015). Collection method: clinical testing. Allele origin: germline.
Comment: This sequence change creates a premature translational stop signal (p.Trp731*) in the CNTN2 gene. It is expected to result in an absent or disrupted protein product. Loss-of-function variants in CNTN2 are known to be pathogenic (PMID: 11178983, 23518707). This variant is not present in population databases (gnomAD no frequency). This variant has not been reported in the literature in individuals affected with CNTN2-related conditions. ClinVar contains an entry for this variant (Variation ID: 2190542). For these reasons, this variant has been classified as Pathogenic.

Literature cited by the submitters: PubMed 11178983 (cited by Variantyx, Inc. and Labcorp Genetics (formerly Invitae), Labcorp); PubMed 23518707 (cited by Variantyx, Inc. and Labcorp Genetics (formerly Invitae), Labcorp).

NM_005076.5(CNTN2):c.2193G>A (p.Trp731Ter)

Gene: CNTN2 (contactin 2; plus strand). Cytogenetic location: 1q32.1.
Variant type: single nucleotide variant.
Coding change: c.2193G>A on transcript NM_005076.5 (MANE Select); coding-DNA position 2193, G replaced by A.
Protein change: p.Trp731Ter; replaces tryptophan 731 with a stop codon.
Molecular consequence: nonsense. On other transcripts: non-coding transcript variant (1).
Genome position (GRCh38, 1-based): chr1:205,069,558, G>A. VCF-style: chr1-205069558-G-A. GRCh37 (hg19) VCF-style: chr1-205038686-G-A.
Other names: c.2193G>A (NM_005076.3); c.2193G>A, p.Trp731Ter (NM_001346083.2); short protein forms W731*.
Identifiers: ClinVar variation 2190542 (VCV002190542.5), dbSNP rs1553347743, ClinGen allele CA344378089.